The following is an entry in ClinVar:

NM_001942.4(DSG1):c.3044T>G (p.Met1015Arg)

Genes: DSG1 (desmoglein 1; plus strand), DSG1-AS1 (DSG1 antisense RNA 1; minus strand). Cytogenetic location: 18q12.1.
Variant type: single nucleotide variant.
Coding change: c.3044T>G on transcript NM_001942.4 (MANE Select); coding-DNA position 3044, T replaced by G.
Protein change: p.Met1015Arg; replaces methionine 1015 with arginine.
Molecular consequence: missense variant.
Genome position (GRCh38, 1-based): chr18:31,355,240, T>G. VCF-style: chr18-31355240-T-G. GRCh37 (hg19) VCF-style: chr18-28935203-T-G.
Other names: short protein forms M1015R.
Identifiers: ClinVar variation 4736277 (VCV004736277.1).

ClinVar aggregate classification (germline): Uncertain significance (1 of 4 stars; one submission).

Submission:

Labcorp Genetics (formerly Invitae), Labcorp
Classification: Uncertain significance. Last evaluated: 2026-02-01. Review status: criteria provided, single submitter. Criteria: Invitae Variant Classification Sherloc (09022015). Collection method: clinical testing. Allele origin: germline.
Comment: This sequence change replaces methionine, which is neutral and non-polar, with arginine, which is basic and polar, at codon 1015 of the DSG1 protein (p.Met1015Arg). This variant is present in population databases (no rsID available, gnomAD 0.006%). This variant has not been reported in the literature in individuals affected with DSG1-related conditions. An algorithm developed to predict the effect of missense changes on protein structure and function (PolyPhen-2) suggests that this variant is likely to be tolerated. In summary, the available evidence is currently insufficient to determine the role of this variant in disease. Therefore, it has been classified as a Variant of Uncertain Significance.